The following is an entry in ClinVar:

NM_006031.6(PCNT):c.5555T>C (p.Met1852Thr)

Gene: PCNT (pericentrin; plus strand). Cytogenetic location: 21q22.3.
Variant type: single nucleotide variant.
Coding change: c.5555T>C on transcript NM_006031.6 (MANE Select); coding-DNA position 5555, T replaced by C.
Protein change: p.Met1852Thr; replaces methionine 1852 with threonine.
Molecular consequence: missense variant.
Genome position (GRCh38, 1-based): chr21:46,411,628, T>C. VCF-style: chr21-46411628-T-C. GRCh37 (hg19) VCF-style: chr21-47831542-T-C.
Other names: c.5201T>C, p.Met1734Thr (NM_001315529.2); short protein forms M1734T, M1852T.
Identifiers: ClinVar variation 3305213 (VCV003305213.2).

ClinVar aggregate classification (germline): Uncertain significance. Review status: criteria provided, multiple submitters, no conflicts (2 of 4 stars). 2 submissions from 2 submitters: Uncertain significance (2). Last evaluated 2026-06-08.

Conditions:
PCNT-related disorder. Also called: PCNT-related condition.
Inborn genetic diseases. Identifiers: MedGen C0950123, MeSH D030342.

Submissions (2):

PreventionGenetics, part of Exact Sciences
Classification: Uncertain significance for PCNT-related condition. Last evaluated: 2026-06-08. Review status: criteria provided, single submitter. Criteria: ACMG Guidelines, 2015. Collection method: clinical testing. Allele origin: germline.
Comment: The PCNT c.5555T>C variant is predicted to result in the amino acid substitution p.Met1852Thr. To our knowledge, this variant has not been reported in the literature. This variant is reported in 0.011% of alleles in individuals of East Asian descent in gnomAD. At this time, the clinical significance of this variant is uncertain due to the absence of conclusive functional and genetic evidence.

Ambry Genetics
Classification: Uncertain significance for Inborn genetic diseases. Last evaluated: 2024-05-23. Review status: criteria provided, single submitter. Criteria: Ambry Variant Classification Scheme 2023. Collection method: clinical testing. Allele origin: germline.